The following is an entry in ClinVar:

NM_001006630.2(CHRM2):c.686A>G (p.Asp229Gly)

Genes: CHRM2 (cholinergic receptor muscarinic 2; plus strand), LOC349160 (uncharacterized LOC349160; minus strand). Cytogenetic location: 7q33.
Variant type: single nucleotide variant.
Coding change: c.686A>G on transcript NM_001006630.2 (MANE Select); coding-DNA position 686, A replaced by G.
Protein change: p.Asp229Gly; replaces aspartic acid 229 with glycine.
Molecular consequence: missense variant.
Genome position (GRCh38, 1-based): chr7:137,015,551, A>G. VCF-style: chr7-137015551-A-G. GRCh37 (hg19) VCF-style: chr7-136700298-A-G.
Other names: c.686A>G, p.Asp229Gly (NM_000739.3, NM_001006626.3, NM_001006627.3 and 6 more transcripts); short protein forms D229G.
Identifiers: ClinVar variation 1013632 (VCV001013632.8), dbSNP rs762688022, ClinGen allele CA4500559.
Genomic context (GRCh38, chr7:137,015,551, plus strand): 5'-TATCCCGAGCCAGCAAGAGCAGGATAAAGAAGGACAAGAAGGAGCCTGTTGCCAACCAAG[A>G]CCCCGTTTCTCCAAGTCTGGTACAAGGAAGGATAGTGAAGCCAAACAATAACAACATGCC-3'
Protein context (NP_001006631.1, residues 219-239): KDKKEPVANQ[Asp229Gly]PVSPSLVQGR

ClinVar aggregate classification (germline): Uncertain significance (1 of 4 stars; one submission).

Allele frequency attached by ClinVar (database versions not stated): gnomAD exomes 0.00001 and 0.00002; TOPMed 0.00002; gnomAD 0.00001; ExAC 0.00002.
gnomAD v4.1: 6 of 1,612,676 alleles (0.00037%); highest among the groups gnomAD compares: Admixed American, 0.01%; no homozygotes.

Submission:

Labcorp Genetics (formerly Invitae), Labcorp
Classification: Uncertain significance. Last evaluated: 2023-04-11. Review status: criteria provided, single submitter. Criteria: Invitae Variant Classification Sherloc (09022015). Collection method: clinical testing. Allele origin: germline.
Comment: In summary, the available evidence is currently insufficient to determine the role of this variant in disease. Therefore, it has been classified as a Variant of Uncertain Significance. An algorithm developed to predict the effect of missense changes on protein structure and function (PolyPhen-2) suggests that this variant is likely to be tolerated. ClinVar contains an entry for this variant (Variation ID: 1013632). This variant has not been reported in the literature in individuals affected with CHRM2-related conditions. This variant is present in population databases (rs762688022, gnomAD 0.01%). This sequence change replaces aspartic acid, which is acidic and polar, with glycine, which is neutral and non-polar, at codon 229 of the CHRM2 protein (p.Asp229Gly).